The following is an entry in ClinVar:

ClinVar aggregate classification (germline): Uncertain significance (1 of 4 stars; one submission).

Conditions:
Hypertrophic cardiomyopathy 10. Also called: CARDIOMYOPATHY, HYPERTROPHIC, MID-LEFT VENTRICULAR CHAMBER TYPE, 2; MYL2-Related Familial Hypertrophic Cardiomyopathy. Identifiers: MedGen C1834460, MONDO:0012112, OMIM 608758.

gnomAD v4.1: 1 of 1,605,758 alleles (0.000062%); highest among the groups gnomAD compares: Non-Finnish European, 0.000085%; no homozygotes.

Submission:

Labcorp Genetics (formerly Invitae), Labcorp
Classification: Uncertain significance for Hypertrophic cardiomyopathy 10. Last evaluated: 2022-11-01. Review status: criteria provided, single submitter. Criteria: Invitae Variant Classification Sherloc (09022015). Collection method: clinical testing. Allele origin: germline.
Comment: In summary, the available evidence is currently insufficient to determine the role of this variant in disease. Therefore, it has been classified as a Variant of Uncertain Significance. Variants that disrupt the consensus splice site are a relatively common cause of aberrant splicing (PMID: 17576681, 9536098). Algorithms developed to predict the effect of sequence changes on RNA splicing suggest that this variant may disrupt the consensus splice site. ClinVar contains an entry for this variant (Variation ID: 1365196). This variant has not been reported in the literature in individuals affected with MYL2-related conditions. This variant is not present in population databases (gnomAD no frequency). This sequence change falls in intron 4 of the MYL2 gene. It does not directly change the encoded amino acid sequence of the MYL2 protein. It affects a nucleotide within the consensus splice site.

Literature cited by the submitters: PubMed 17576681; PubMed 9536098.

NM_000432.4(MYL2):c.274+4A>G

Gene: MYL2 (myosin light chain 2; minus strand). Cytogenetic location: 12q24.11.
Variant type: single nucleotide variant.
Coding change: c.274+4A>G on transcript NM_000432.4 (MANE Select); 4 bases into the intron after coding-DNA position 274, A replaced by G.
Molecular consequence: intron variant.
Genome position (GRCh38, 1-based): chr12:110,914,182, T>C on the plus strand (A>G on the coding strand, the complement: MYL2 is on the minus strand). VCF-style: chr12-110914182-T-C. GRCh37 (hg19) VCF-style: chr12-111351986-T-C.
Identifiers: ClinVar variation 1365196 (VCV001365196.6), dbSNP rs2136772104, ClinGen allele CA2573147986.